The following is an entry in ClinVar:

ClinVar aggregate classification (germline): not provided (0 of 4 stars; one submission).

Conditions:
Small for gestational age. Also called: Low birth weight. Identifiers: MedGen C0235991, HP:0001518.

Submission:

Institute of Molecular and Cell Biology, University of Tartu
No classification provided. Condition: Small for gestational age. Review status: no classification provided. Collection method: case-control. Allele origin: unknown. Affected: yes. Study: Kasak2014.
Comment: The study aimed to determine the contribution of copy number variants in the genetic etiology of normal and complicated pregnancies. The samples represented (i) maternal blood DNA drawn from healthy pregnant women during 1st or 2nd trimester and (ii) maternal and paternal blood DNA drawn at term pregnancy cases representing normal and complicated gestations (severe preeclampsia, PE; gestational diabetes, GD; small-for-gestational age newborn, SGA; large-for-gestational age newborn, LGA). We performed CNV calling based on genome-wide genotyping dataset (Illumina HumanOmniExpress-24-v1 BeadChip) by applying three algorithms, QuantiSNP, GADA (Genome Alteration Detection Algorithm) and CNstream in parallel. The acquired CNV calls were merged with HD-CNV (Hotspot Detector for Copy Number Variants) program and only the CNVs predicted by at least two programs, were considered in subsequent analysis.

Literature cited by the submitters: PubMed 25666259.

NC_000012.12:g.52452168_52466201del

Variant type: Deletion.
Identifiers: ClinVar variation 157252 (VCV000157252.2).